The following is an entry in ClinVar:

NM_003579.4(RAD54L):c.2141G>A (p.Gly714Glu)

Genes: LRRC41 (leucine rich repeat containing 41; minus strand), RAD54L (RAD54 like; plus strand). Cytogenetic location: 1p34.1.
Variant type: single nucleotide variant.
Coding change: c.2141G>A on transcript NM_003579.4 (MANE Select); coding-DNA position 2141, G replaced by A.
Protein change: p.Gly714Glu; replaces glycine 714 with glutamic acid.
Molecular consequence: missense variant. On other transcripts: 3 prime UTR variant (1).
Genome position (GRCh38, 1-based): chr1:46,278,179, G>A. VCF-style: chr1-46278179-G-A. GRCh37 (hg19) VCF-style: chr1-46743851-G-A.
Other names: c.*686C>T (NM_006369.5); c.2141G>A, p.Gly714Glu (NM_001142548.2); c.1601G>A, p.Gly534Glu (NM_001370766.1); short protein forms G714E, G534E.
Identifiers: ClinVar variation 3312423 (VCV003312423.1).

ClinVar aggregate classification (germline): Uncertain significance (1 of 4 stars; one submission).

gnomAD v4.1: 15 of 1,613,770 alleles (0.00093%); highest among the groups gnomAD compares: Non-Finnish European, 0.0012%; no homozygotes.

Submission:

Ambry Genetics
Classification: Uncertain significance. Last evaluated: 2024-04-24. Review status: criteria provided, single submitter. Criteria: Ambry Variant Classification Scheme 2023. Collection method: clinical testing. Allele origin: germline.
Comment: The p.G714E variant (also known as c.2141G>A), located in coding exon 18 of the RAD54L gene, results from a G to A substitution at nucleotide position 2141. The glycine at codon 714 is replaced by glutamic acid, an amino acid with similar properties. This amino acid position is conserved. In addition, the in silico prediction for this alteration is inconclusive. Based on the available evidence, the clinical significance of this variant remains unclear.